The following is an entry in ClinVar:

NM_023936.2(MRPS34):c.120C>A (p.Thr40=)

Genes: EME2 (essential meiotic structure-specific endonuclease subunit 2; plus strand), MRPS34 (mitochondrial ribosomal protein S34; minus strand). Cytogenetic location: 16p13.3.
Variant type: single nucleotide variant.
Coding change: c.120C>A on transcript NM_023936.2 (MANE Select); coding-DNA position 120, C replaced by A.
Protein change: p.Thr40=; no amino-acid change (threonine 40 retained).
Molecular consequence: synonymous variant. On other transcripts: 5 prime UTR variant (1).
Genome position (GRCh38, 1-based): chr16:1,773,000, G>T on the plus strand (C>A on the coding strand, the complement: MRPS34 is on the minus strand). VCF-style: chr16-1773000-G-T. GRCh37 (hg19) VCF-style: chr16-1823001-G-T.
Other names: c.-228G>T (NM_001257370.2); c.120C>A, p.Thr40= (NM_001300900.2).
Identifiers: ClinVar variation 3356465 (VCV003356465.1).

ClinVar aggregate classification (germline): Likely benign (0 of 4 stars; one submission).

Conditions:
MRPS34-related disorder. Also called: MRPS34-related condition.

Submission:

PreventionGenetics, part of Exact Sciences
Classification: Likely benign for MRPS34-related condition. Last evaluated: 2019-12-09. Review status: no assertion criteria provided. Collection method: clinical testing. Allele origin: germline.
Comment: This variant is classified as likely benign based on ACMG/AMP sequence variant interpretation guidelines (Richards et al. 2015 PMID: 25741868, with internal and published modifications).